The following is an entry in ClinVar:

ClinVar aggregate classification (germline): Pathogenic (1 of 4 stars; one submission).

Conditions:
Familial cancer of breast. Also called: BREAST CANCER, FAMILIAL; Hereditary breast cancer; hereditary breast carcinoma. Identifiers: Orphanet 227535, MedGen C0346153, MONDO:0016419, OMIM 114480. Disease mechanism: loss of function.

Submission:

Myriad Genetics, Inc.
Classification: Pathogenic for Familial cancer of breast. Last evaluated: 2024-01-24. Review status: criteria provided, single submitter. Criteria: Myriad Autosomal Dominant, Autosomal Recessive and X-Linked Classification Criteria (2023). Collection method: clinical testing. Allele origin: unknown.
Comment: This variant is considered pathogenic. This variant creates a frameshift predicted to result in premature protein truncation.

NM_000051.4(ATM):c.4592del (p.Gln1531fs)

Gene: ATM (ATM serine/threonine kinase; plus strand). Cytogenetic location: 11q22.3.
Variant type: Deletion.
Coding change: c.4592del on transcript NM_000051.4 (MANE Select); coding-DNA position 4592, one base deleted (A; older notation c.4592delA).
Protein change: p.Gln1531fs; shifts the reading frame from glutamine 1531.
Molecular consequence: frameshift variant.
Genome position (GRCh38, 1-based): chr11:108,292,774, A deleted. VCF-style (leftmost placement, unchanged base first): chr11-108292773-CA-C. GRCh37 (hg19) VCF-style: chr11-108163500-CA-C.
Other names: c.4592del, p.Gln1531fs (NM_001351834.2); short protein forms Q1531fs.
Identifiers: ClinVar variation 3148314 (VCV003148314.1), dbSNP rs2546926288, ClinGen allele CA2825001884.
Genomic context (GRCh38, chr11:108,292,773, plus strand): 5'-GATGCTCTAGAAAACCATCTTCATGTTATTGTTGGTACACTTATACCCCTTGTGTATGAG[CA>C]GGTGGAGGTTCAGAAACAGGTAATTTTCTGACTCATCTTCAAAATGGTATTTAAAATATA-3'